The following is an entry in ClinVar:

NM_174936.4(PCSK9):c.653G>A (p.Arg218Lys)

Gene: PCSK9 (proprotein convertase subtilisin/kexin type 9; plus strand). Cytogenetic location: 1p32.3.
Variant type: single nucleotide variant.
Coding change: c.653G>A on transcript NM_174936.4 (MANE Select); coding-DNA position 653, G replaced by A.
Protein change: p.Arg218Lys; replaces arginine 218 with lysine.
Molecular consequence: missense variant. On other transcripts: non-coding transcript variant (8).
Genome position (GRCh38, 1-based): chr1:55,052,407, G>A. VCF-style: chr1-55052407-G-A. GRCh37 (hg19) VCF-style: chr1-55518080-G-A.
Other names: c.776G>A, p.Arg259Lys (NM_001407240.1); c.653G>A, p.Arg218Lys (NM_001407241.1, NM_001407242.1, NM_001407244.1 and 1 more transcripts); c.596G>A, p.Arg199Lys (NM_001407243.1); c.461G>A, p.Arg154Lys (NM_001407245.1); c.278G>A, p.Arg93Lys (NM_001407246.1); short protein forms R154K, R218K, R93K, R199K, R259K.
Identifiers: ClinVar variation 2803237 (VCV002803237.6), dbSNP rs1644681544, ClinGen allele CA340473645.

ClinVar aggregate classification (germline): Uncertain significance. Review status: criteria provided, multiple submitters, no conflicts (2 of 4 stars). 4 submissions from 4 submitters: Uncertain significance (4). Last evaluated 2026-04-27.

Conditions:
Cardiovascular phenotype. Identifiers: MedGen CN230736.
Hypercholesterolemia, autosomal dominant, 3 (FHCL3). Also called: Familial Hypercholesterolemia, Autosomal Dominant, 3; PCSK9-Related Familial Hypercholesterolemia, Autosomal Dominant; Familial hypercholesterolemia 3. Identifiers: MedGen C1863551, MONDO:0011369, OMIM 603776.

Allele frequency attached by ClinVar (database versions not stated): TOPMed below 0.00001.

Submissions (4):

Women's Health and Genetics/Laboratory Corporation of America, LabCorp
Classification: Uncertain significance. Last evaluated: 2026-04-27. Review status: criteria provided, single submitter. Criteria: LabCorp Variant Classification Summary - May 2015. Collection method: clinical testing. Allele origin: germline.

Ambry Genetics
Classification: Uncertain significance for Cardiovascular phenotype. Last evaluated: 2025-08-04. Review status: criteria provided, single submitter. Criteria: Ambry Variant Classification Scheme 2023. Collection method: clinical testing. Allele origin: germline.
Comment: The p.R218K variant (also known as c.653G>A), located in coding exon 4 of the PCSK9 gene, results from a G to A substitution at nucleotide position 653. The arginine at codon 218 is replaced by lysine, an amino acid with highly similar properties. This amino acid position is highly conserved in available vertebrate species. In addition, this alteration is predicted to be tolerated by in silico analysis. Based on the available evidence, the clinical significance of this variant remains unclear.

GeneDx
Classification: Uncertain significance. Last evaluated: 2024-12-26. Review status: criteria provided, single submitter. Criteria: GeneDx Variant Classification Process June 2021. Collection method: clinical testing. Allele origin: germline. Affected: yes.
Comment: Not observed at significant frequency in large population cohorts (gnomAD); In silico analysis indicates that this missense variant does not alter protein structure/function; Has not been previously published as pathogenic or benign to our knowledge

Labcorp Genetics (formerly Invitae), Labcorp
Classification: Uncertain significance for Hypercholesterolemia, autosomal dominant, 3. Last evaluated: 2023-02-21. Review status: criteria provided, single submitter. Criteria: Invitae Variant Classification Sherloc (09022015). Collection method: clinical testing. Allele origin: germline.
Comment: In summary, the available evidence is currently insufficient to determine the role of this variant in disease. Therefore, it has been classified as a Variant of Uncertain Significance. This variant disrupts the p.Arg218 amino acid residue in PCSK9. Other variant(s) that disrupt this residue have been determined to be pathogenic (PMID: 16211558, 16912035, 18039650, 21147780). This suggests that this residue is clinically significant, and that variants that disrupt this residue are likely to be disease-causing. Advanced modeling of protein sequence and biophysical properties (such as structural, functional, and spatial information, amino acid conservation, physicochemical variation, residue mobility, and thermodynamic stability) has been performed at Invitae for this missense variant, however the output from this modeling did not meet the statistical confidence thresholds required to predict the impact of this variant on PCSK9 protein function. This variant has not been reported in the literature in individuals affected with PCSK9-related conditions. This variant is not present in population databases (gnomAD no frequency). This sequence change replaces arginine, which is basic and polar, with lysine, which is basic and polar, at codon 218 of the PCSK9 protein (p.Arg218Lys).

Literature cited by the submitters: PubMed 16211558 (cited by Labcorp Genetics (formerly Invitae), Labcorp); PubMed 16912035 (cited by Labcorp Genetics (formerly Invitae), Labcorp); PubMed 18039650 (cited by Labcorp Genetics (formerly Invitae), Labcorp); PubMed 21147780 (cited by Labcorp Genetics (formerly Invitae), Labcorp).